The following is an entry in ClinVar:

ClinVar aggregate classification (germline): Uncertain significance. Review status: criteria provided, multiple submitters, no conflicts (2 of 4 stars). 2 submissions from 2 submitters: Uncertain significance (2). Last evaluated 2024-03-24.

Conditions:
Epidermolysis bullosa simplex 5B, with muscular dystrophy (EBS5B). Also called: Epidermolysis bullosa simplex with muscular dystrophy; EPIDERMOLYSIS BULLOSA SIMPLEX AND LIMB-GIRDLE MUSCULAR DYSTROPHY. Identifiers: Orphanet 257, MedGen C2931072, MONDO:0009181, OMIM 226670.
Epidermolysis bullosa simplex 5C, with pyloric atresia (EBS5C). Also called: Epidermolysis bullosa simplex with pyloric atresia; PLEC-Related Epidermolysis Bullosa with Pyloric Atresia; PLEC1-Related Epidermolysis Bullosa with Pyloric Atresia. Identifiers: Orphanet 158684, MedGen C2677349, MONDO:0012807, OMIM 612138.
Autosomal recessive limb-girdle muscular dystrophy type 2Q (LGMDR17). Also called: MUSCULAR DYSTROPHY, LIMB-GIRDLE, AUTOSOMAL RECESSIVE 17. Identifiers: Orphanet 254361, MedGen C3150989, MONDO:0013390, OMIM 613723.
Epidermolysis bullosa simplex with nail dystrophy (EBS5D). Identifiers: MedGen C4225309, MONDO:0014661, OMIM 616487.
Epidermolysis bullosa simplex, Ogna type (EBS5A). Also called: Pidermolysis bullosa simplex 5A, Ogna type; EPIDERMOLYSIS BULLOSA SIMPLEX 5A, OGNA TYPE. Identifiers: Orphanet 79401, MedGen C0432317, MONDO:0007555, OMIM 131950.

Allele frequency attached by ClinVar (database versions not stated): gnomAD exomes 0.00002; ExAC 0.00003.
gnomAD v4.1: 35 of 1,579,656 alleles (0.0022%); highest among the groups gnomAD compares: Non-Finnish European, 0.0028%; no homozygotes.

Submissions (2):

Labcorp Genetics (formerly Invitae), Labcorp
Classification: Uncertain significance for Autosomal recessive limb-girdle muscular dystrophy type 2Q; Epidermolysis bullosa simplex, Ogna type; Epidermolysis bullosa simplex with nail dystrophy; Epidermolysis bullosa simplex 5C, with pyloric atresia; Epidermolysis bullosa simplex 5B, with muscular dystrophy. Last evaluated: 2024-03-24. Review status: criteria provided, single submitter. Criteria: Invitae Variant Classification Sherloc (09022015). Collection method: clinical testing. Allele origin: germline.
Comment: This sequence change replaces arginine, which is basic and polar, with cysteine, which is neutral and slightly polar, at codon 824 of the PLEC protein (p.Arg824Cys). The frequency data for this variant in the population databases is considered unreliable, as metrics indicate poor data quality at this position in the gnomAD database. This variant has not been reported in the literature in individuals affected with PLEC-related conditions. ClinVar contains an entry for this variant (Variation ID: 546368). Advanced modeling of protein sequence and biophysical properties (such as structural, functional, and spatial information, amino acid conservation, physicochemical variation, residue mobility, and thermodynamic stability) performed at Invitae indicates that this missense variant is not expected to disrupt PLEC protein function with a negative predictive value of 80%. In summary, the available evidence is currently insufficient to determine the role of this variant in disease. Therefore, it has been classified as a Variant of Uncertain Significance.

GeneDx
Classification: Uncertain significance. Last evaluated: 2018-05-18. Review status: criteria provided, single submitter. Criteria: GeneDx Variant Classification (06012015). Collection method: clinical testing. Allele origin: germline. Affected: yes.
Comment: A variant of uncertain significance has been identified in the PLEC gene. The R824C variant has not been published as a pathogenic variant, nor has it been reported as a benign variant to our knowledge. This variant is not observed in large population cohorts (Lek et al., 2016). The R824C variant is a non-conservative amino acid substitution, which is likely to impact secondary protein structure as these residues differ in polarity, charge, size and/or other properties. In-silico analyses, including protein predictors and evolutionary conservation, support a deleterious effect. Therefore, based on the currently available information, it is unclear whether this variant is a pathogenic variant or a rare benign variant.

NM_201384.3(PLEC):c.2389C>T (p.Arg797Cys)

Gene: PLEC (plectin; minus strand). Cytogenetic location: 8q24.3.
Variant type: single nucleotide variant.
Coding change: c.2389C>T on transcript NM_201384.3 (MANE Select); coding-DNA position 2389, C replaced by T.
Protein change: p.Arg797Cys; replaces arginine 797 with cysteine.
Molecular consequence: missense variant.
Genome position (GRCh38, 1-based): chr8:143,930,452, G>A on the plus strand (C>T on the coding strand, the complement: PLEC is on the minus strand). VCF-style: chr8-143930452-G-A. GRCh37 (hg19) VCF-style: chr8-145004620-G-A.
Other names: c.2470C>T, p.Arg824Cys (NM_000445.5); c.2800C>T, p.Arg934Cys (NM_201380.4); c.2347C>T, p.Arg783Cys (NM_201378.4); c.2323C>T, p.Arg775Cys (NM_201379.3); c.2293C>T, p.Arg765Cys (NM_201381.3); c.2389C>T, p.Arg797Cys (NM_201382.4); c.2401C>T, p.Arg801Cys (NM_201383.3); short protein forms R765C, R775C, R783C, R797C, R801C, R824C, R934C.
Identifiers: ClinVar variation 546368 (VCV000546368.10), dbSNP rs781813443, ClinGen allele CA4927552.